The following is an entry in ClinVar:

ClinVar aggregate classification (germline): Conflicting classifications of pathogenicity. Review status: criteria provided, conflicting classifications (1 of 4 stars). 5 submissions from 5 submitters: Uncertain significance (1); Benign (1); Likely benign (3). Last evaluated 2025-10-02.

Conditions:
Inborn genetic diseases. Identifiers: MedGen C0950123, MeSH D030342.
PHIP-related disorder. Also called: PHIP-related condition; PHIP-related disorders.

Allele frequency attached by ClinVar (database versions not stated): TOPMed 0.00002; gnomAD exomes 0.00003; gnomAD 0.00005; ExAC 0.00009.
gnomAD v4.1: 54 of 1,594,862 alleles (0.0034%); highest among the groups gnomAD compares: Non-Finnish European, 0.0037%; no homozygotes.

Submissions (5):

Labcorp Genetics (formerly Invitae), Labcorp
Classification: Benign. Last evaluated: 2025-10-02. Review status: criteria provided, single submitter. Criteria: Invitae Variant Classification Sherloc (09022015). Collection method: clinical testing. Allele origin: germline.

PreventionGenetics, part of Exact Sciences
Classification: Uncertain significance for PHIP-related condition. Last evaluated: 2025-06-23. Review status: criteria provided, single submitter. Criteria: ACMG Guidelines, 2015. Collection method: clinical testing. Allele origin: germline.
Comment: The PHIP c.2845A>G variant is predicted to result in the amino acid substitution p.Thr949Ala. To our knowledge, this variant has not been reported in the literature. This variant is reported in 0.024% of alleles in individuals of European (Finnish) descent in gnomAD. Although we suspect that this variant may be benign, at this time, the clinical significance of this variant is uncertain due to the absence of conclusive functional and genetic evidence.

Laboratory of Genetics, Children's Clinical University Hospital Latvia
Classification: Likely benign. Last evaluated: 2025-02-16. Review status: criteria provided, single submitter. Criteria: ACMG Guidelines, 2015. Collection method: clinical testing. Allele origin: germline. Affected: yes.

CeGaT Center for Human Genetics Tuebingen
Classification: Likely benign. Last evaluated: 2024-02-01. Review status: criteria provided, single submitter. Criteria: CeGaT Center For Human Genetics Tuebingen Variant Classification Criteria Version 2. Collection method: clinical testing. Allele origin: germline. Affected: yes. Observed: 1 variant allele.
Comment: PHIP: PP2, BP5, BS2

Ambry Genetics
Classification: Likely benign for Inborn genetic diseases. Last evaluated: 2022-11-07. Review status: criteria provided, single submitter. Criteria: Ambry Variant Classification Scheme 2023. Collection method: clinical testing. Allele origin: germline.

NM_017934.7(PHIP):c.2845A>G (p.Thr949Ala)

Genes: IRAK1BP1 (interleukin 1 receptor associated kinase 1 binding protein 1; plus strand), PHIP (PHIP subunit of CUL4-Ring ligase complex; minus strand). Cytogenetic location: 6q14.1.
Variant type: single nucleotide variant.
Coding change: c.2845A>G on transcript NM_017934.7 (MANE Select); coding-DNA position 2845, A replaced by G.
Protein change: p.Thr949Ala; replaces threonine 949 with alanine.
Molecular consequence: missense variant.
Genome position (GRCh38, 1-based): chr6:78,978,636, T>C on the plus strand (A>G on the coding strand, the complement: PHIP is on the minus strand). VCF-style: chr6-78978636-T-C. GRCh37 (hg19) VCF-style: chr6-79688353-T-C.
Other names: c.2845A>G (NM_017934.6, NM_017934.5); short protein forms T949A.
Identifiers: ClinVar variation 2167473 (VCV002167473.30), dbSNP rs200004724, ClinGen allele CA3899844.
Genomic context (GRCh38, chr6:78,978,636, plus strand): 5'-AAAACTTTTAAAGTACCTCATCACCCATCTGTGGCACAAATGGACATCTTCGGGGAATGG[T>C]ATCTGTAATCCATGTTGATGGCAACCATTCTTCTAATGTCAAACCATTTTCAGTTAGTTC-3'
Protein context (NP_060404.4, residues 939-959): EWLPSTWITD[Thr949Ala]IPRRCPFVPQ